The following is an entry in ClinVar:

ClinVar aggregate classification (germline): Likely pathogenic (1 of 4 stars; one submission).

Conditions:
Autosomal recessive limb-girdle muscular dystrophy type 2A (LGMDR1). Also called: LEYDEN-MOEBIUS MUSCULAR DYSTROPHY; MUSCULAR DYSTROPHY, PELVOFEMORAL; Limb-girdle muscular dystrophy, type 2A; Muscular dystrophy, limb-girdle, type 2A, Amish; Calpainopathy. Identifiers: Orphanet 267, MedGen C1869123, MONDO:0009675, OMIM 253600. Disease mechanism: loss of function.

gnomAD v4.1: 2 of 1,601,690 alleles (0.00012%); highest among the groups gnomAD compares: Non-Finnish European, 0.00017%; no homozygotes.

Submission:

Kariminejad - Najmabadi Pathology & Genetics Center
Classification: Likely pathogenic for Autosomal recessive limb-girdle muscular dystrophy type 2A. Last evaluated: 2023-09-30. Review status: criteria provided, single submitter. Criteria: ACMG Guidelines, 2015. Collection method: clinical testing. Allele origin: germline. Inheritance: Autosomal recessive inheritance. Affected: yes.
Comment: PM1,PM2,PP3_Moderate,PM3_supporting,PP2?

NM_000070.3(CAPN3):c.1347C>A (p.Asn449Lys)

Gene: CAPN3 (calpain 3; plus strand). Cytogenetic location: 15q15.1.
Variant type: single nucleotide variant.
Coding change: c.1347C>A on transcript NM_000070.3 (MANE Select); coding-DNA position 1347, C replaced by A.
Protein change: p.Asn449Lys; replaces asparagine 449 with lysine.
Molecular consequence: missense variant.
Genome position (GRCh38, 1-based): chr15:42,399,645, C>A. VCF-style: chr15-42399645-C-A. GRCh37 (hg19) VCF-style: chr15-42691843-C-A.
Other names: c.1347C>A, p.Asn449Lys (NM_024344.2); c.1203C>A, p.Asn401Lys (NM_173087.2); short protein forms N401K, N449K.
Identifiers: ClinVar variation 3896794 (VCV003896794.1).